The following is an entry in ClinVar:

NM_005762.3(TRIM28):c.605A>T (p.Asp202Val)

Gene: TRIM28 (tripartite motif containing 28; plus strand). Cytogenetic location: 19q13.43.
Variant type: single nucleotide variant.
Coding change: c.605A>T on transcript NM_005762.3 (MANE Select); coding-DNA position 605, A replaced by T.
Protein change: p.Asp202Val; replaces aspartic acid 202 with valine.
Molecular consequence: missense variant.
Genome position (GRCh38, 1-based): chr19:58,547,394, A>T. VCF-style: chr19-58547394-A-T. GRCh37 (hg19) VCF-style: chr19-59058761-A-T.
Other names: short protein forms D202V.
Identifiers: ClinVar variation 4819547 (VCV004819547.1).

ClinVar aggregate classification (germline): Likely benign (1 of 4 stars; one submission).

Conditions:
Wilms tumor 7. Identifiers: MedGen C6065906, MONDO:0979876, OMIM 621332.

gnomAD v4.1: 1 of 1,613,766 alleles (0.000062%); highest among the groups gnomAD compares: South Asian, 0.0011%; no homozygotes.

Submission:

Centre for Medical Genetics,  Mumbai
Classification: Likely benign for Wilms tumor 7. Last evaluated: 2026-03-16. Review status: criteria provided, single submitter. Criteria: ACMG Guidelines, 2015. Collection method: provider interpretation. Allele origin: germline. Inheritance: Autosomal dominant inheritance. Affected: no. Observed: 1 variant allele, 1 heterozygote.
Comment: The variant satisfies PM2 criteria; Extremely low frequency in gnomAD population databases. However, the variant satisfies BS2 criteria.

Literature cited by the submitters: PubMed 29912901.